The following is an entry in ClinVar:

NM_199355.4(ADAMTS18):c.683C>A (p.Ser228Tyr)

Gene: ADAMTS18 (ADAM metallopeptidase with thrombospondin type 1 motif 18; minus strand). Cytogenetic location: 16q23.1.
Variant type: single nucleotide variant.
Coding change: c.683C>A on transcript NM_199355.4 (MANE Select); coding-DNA position 683, C replaced by A.
Protein change: p.Ser228Tyr; replaces serine 228 with tyrosine.
Molecular consequence: missense variant.
Genome position (GRCh38, 1-based): chr16:77,367,536, G>T on the plus strand (C>A on the coding strand, the complement: ADAMTS18 is on the minus strand). VCF-style: chr16-77367536-G-T. GRCh37 (hg19) VCF-style: chr16-77401433-G-T.
Other names: c.163C>A, p.Pro55Thr (NM_001326358.2); c.683C>A (NM_199355.2); short protein forms P55T, S228Y.
Identifiers: ClinVar variation 1504450 (VCV001504450.6), dbSNP rs538039525, ClinGen allele CA8181598.
Genomic context (GRCh38, chr16:77,367,536, plus strand): 5'-AACCTTCGATGGTGATACTCTGTCTCTCGACTCTGAGATGCATGGGGAATGTGACTTGGG[G>T]AGTAACCAGGATAATTCCGGCCAGAGCCGGGGTAGCCACGGTACCGCTGGATCTTCTCCT-3'
Protein context (NP_955387.1, residues 218-238): PGSGRNYPGY[Ser228Tyr]PSHIPHASQS

ClinVar aggregate classification (germline): Uncertain significance. Review status: criteria provided, multiple submitters, no conflicts (2 of 4 stars). 2 submissions from 2 submitters: Uncertain significance (2). Last evaluated 2024-08-05.

Conditions:
Inborn genetic diseases. Identifiers: MedGen C0950123, MeSH D030342.

Allele frequency attached by ClinVar (database versions not stated): ExAC 0.00001; 1000 Genomes Project 30x 0.00016; gnomAD 0.00016 and 0.00018; TOPMed 0.00016; 1000 Genomes Project 0.00020.
gnomAD v4.1: 34 of 1,614,242 alleles (0.0021%); highest among the groups gnomAD compares: African/African-American, 0.04%; no homozygotes.

Submissions (2):

Labcorp Genetics (formerly Invitae), Labcorp
Classification: Uncertain significance. Last evaluated: 2024-08-05. Review status: criteria provided, single submitter. Criteria: Invitae Variant Classification Sherloc (09022015). Collection method: clinical testing. Allele origin: germline.
Comment: This sequence change replaces serine with tyrosine at codon 228 of the ADAMTS18 protein (p.Ser228Tyr). The serine residue is moderately conserved and there is a large physicochemical difference between serine and tyrosine. This variant is present in population databases (rs538039525, gnomAD 0.03%). This variant has not been reported in the literature in individuals affected with ADAMTS18-related conditions. ClinVar contains an entry for this variant (Variation ID: 1504450). An algorithm developed to predict the effect of missense changes on protein structure and function (PolyPhen-2) suggests that this variant is likely to be tolerated. In summary, the available evidence is currently insufficient to determine the role of this variant in disease. Therefore, it has been classified as a Variant of Uncertain Significance.

Ambry Genetics
Classification: Uncertain significance for Inborn genetic diseases. Last evaluated: 2021-10-14. Review status: criteria provided, single submitter. Criteria: Ambry Variant Classification Scheme 2023. Collection method: clinical testing. Allele origin: germline.